The following is an entry in ClinVar:

NM_001029883.3(PCARE):c.241C>G (p.Pro81Ala)

Gene: PCARE (photoreceptor cilium actin regulator; minus strand). Cytogenetic location: 2p23.2.
Variant type: single nucleotide variant.
Coding change: c.241C>G on transcript NM_001029883.3 (MANE Select); coding-DNA position 241, C replaced by G.
Protein change: p.Pro81Ala; replaces proline 81 with alanine.
Molecular consequence: missense variant.
Genome position (GRCh38, 1-based): chr2:29,074,021, G>C on the plus strand (C>G on the coding strand, the complement: PCARE is on the minus strand). VCF-style: chr2-29074021-G-C. GRCh37 (hg19) VCF-style: chr2-29296887-G-C.
Other names: short protein forms P81A.
Identifiers: ClinVar variation 3349613 (VCV003349613.1).

ClinVar aggregate classification (germline): Uncertain significance (0 of 4 stars; one submission).

Conditions:
PCARE-related disorder. Also called: PCARE-related condition.

Submission:

PreventionGenetics, part of Exact Sciences
Classification: Uncertain significance for PCARE-related condition. Last evaluated: 2024-03-27. Review status: no assertion criteria provided. Collection method: clinical testing. Allele origin: germline.
Comment: The PCARE c.241C>G variant is predicted to result in the amino acid substitution p.Pro81Ala. To our knowledge, this variant has not been reported in the literature or in a large population database, indicating this variant is rare. At this time, the clinical significance of this variant is uncertain due to the absence of conclusive functional and genetic evidence.